The following is an entry in ClinVar:

ClinVar aggregate classification (germline): Likely benign (1 of 4 stars; one submission).

Allele frequency attached by ClinVar (database versions not stated): 1000 Genomes Project 0.00280; 1000 Genomes Project 30x 0.00312; gnomAD 0.00441; TOPMed 0.00458; ESP Exome Variant Server 0.00507; gnomAD exomes 0.00617; ExAC 0.00659.
gnomAD v4.1: 9,705 of 1,613,844 alleles (0.6%); highest among the groups gnomAD compares: Non-Finnish European, 0.73%; 59 homozygotes.

Submission:

CeGaT Center for Human Genetics Tuebingen
Classification: Likely benign. Last evaluated: 2022-04-01. Review status: criteria provided, single submitter. Criteria: CeGaT Center For Human Genetics Tuebingen Variant Classification Criteria Version 2. Collection method: clinical testing. Allele origin: germline. Affected: yes. Observed: 1 variant allele.
Comment: ZNF280A: BP4, BP7

NM_080740.5(ZNF280A):c.435T>C (p.Thr145=)

Genes: ZNF280A (zinc finger protein 280A; minus strand), IGL (immunoglobulin lambda locus; plus strand). Cytogenetic location: 22q11.22.
Variant type: single nucleotide variant.
Coding change: c.435T>C on transcript NM_080740.5 (MANE Select); coding-DNA position 435, T replaced by C.
Protein change: p.Thr145=; no amino-acid change (threonine 145 retained).
Molecular consequence: synonymous variant.
Genome position (GRCh38, 1-based): chr22:22,515,196, A>G on the plus strand (T>C on the coding strand, the complement: ZNF280A is on the minus strand). VCF-style: chr22-22515196-A-G. GRCh37 (hg19) VCF-style: chr22-22869520-A-G.
Identifiers: ClinVar variation 2652954 (VCV002652954.24), dbSNP rs145445818, ClinGen allele CA10132109.